The following is an entry in ClinVar:

ClinVar aggregate classification (germline): Conflicting classifications of pathogenicity. Review status: criteria provided, conflicting classifications (1 of 4 stars). 3 submissions from 3 submitters: Uncertain significance (2); Likely benign (1). Last evaluated 2025-04-19.

Conditions:
Hereditary pancreatitis (PCTT). Also called: Hereditary chronic pancreatitis; PRSS1-Related Hereditary Pancreatitis. Identifiers: Orphanet 676, MedGen C0238339, MONDO:0008185, OMIM 167800.

Allele frequency attached by ClinVar (database versions not stated): gnomAD exomes 0.00001 and 0.00002; TOPMed 0.00001; ExAC 0.00003.
gnomAD v4.1: 9 of 1,339,360 alleles (0.00067%); highest among the groups gnomAD compares: Non-Finnish European, 0.00088%; no homozygotes.

Submissions (3):

Ambry Genetics
Classification: Uncertain significance for Hereditary pancreatitis. Last evaluated: 2025-04-19. Review status: criteria provided, single submitter. Criteria: Ambry Variant Classification Scheme 2023. Collection method: clinical testing. Allele origin: germline.
Comment: The p.S16G variant (also known as c.46A>G), located in coding exon 2 of the CTRC gene, results from an A to G substitution at nucleotide position 46. The serine at codon 16 is replaced by glycine, an amino acid with similar properties. This amino acid position is not well conserved in available vertebrate species. In addition, this alteration is predicted to be tolerated by in silico analysis. Since supporting evidence is limited at this time, the clinical significance of this alteration remains unclear.

Labcorp Genetics (formerly Invitae), Labcorp
Classification: Uncertain significance for Hereditary pancreatitis. Last evaluated: 2025-02-26. Review status: criteria provided, single submitter. Criteria: Invitae Variant Classification Sherloc (09022015). Collection method: clinical testing. Allele origin: germline.
Comment: This sequence change replaces serine, which is neutral and polar, with glycine, which is neutral and non-polar, at codon 16 of the CTRC protein (p.Ser16Gly). The frequency data for this variant in the population databases is considered unreliable, as metrics indicate poor data quality at this position in the gnomAD database. This variant has not been reported in the literature in individuals affected with CTRC-related conditions. ClinVar contains an entry for this variant (Variation ID: 292905). Invitae Evidence Modeling of protein sequence and biophysical properties (such as structural, functional, and spatial information, amino acid conservation, physicochemical variation, residue mobility, and thermodynamic stability) indicates that this missense variant is not expected to disrupt CTRC protein function with a negative predictive value of 95%. In summary, the available evidence is currently insufficient to determine the role of this variant in disease. Therefore, it has been classified as a Variant of Uncertain Significance.

Illumina Laboratory Services, Illumina
Classification: Likely benign for Hereditary pancreatitis. Last evaluated: 2018-01-12. Review status: criteria provided, single submitter. Criteria: ICSL Variant Classification Criteria 13 December 2019. Collection method: clinical testing. Allele origin: germline.
Comment: This variant was observed in the ICSL laboratory as part of a predisposition screen in an ostensibly healthy population. It had not been previously curated by ICSL or reported in the Human Gene Mutation Database (HGMD: prior to June 1st, 2018), and was therefore a candidate for classification through an automated scoring system. Utilizing variant allele frequency, disease prevalence and penetrance estimates, and inheritance mode, an automated score was calculated to assess if this variant is too frequent to cause the disease. Based on the score and internal cut-off values, a variant classified as likely benign is not then subjected to further curation. The score for this variant resulted in a classification of likely benign for this disease.

NM_007272.3(CTRC):c.46A>G (p.Ser16Gly)

Gene: CTRC (chymotrypsin C; plus strand). Cytogenetic location: 1p36.21.
Variant type: single nucleotide variant.
Coding change: c.46A>G on transcript NM_007272.3 (MANE Select); coding-DNA position 46, A replaced by G.
Protein change: p.Ser16Gly; replaces serine 16 with glycine.
Molecular consequence: missense variant.
Genome position (GRCh38, 1-based): chr1:15,440,305, A>G. VCF-style: chr1-15440305-A-G. GRCh37 (hg19) VCF-style: chr1-15766801-A-G.
Other names: short protein forms S16G.
Identifiers: ClinVar variation 292905 (VCV000292905.17), dbSNP rs765777463, ClinGen allele CA613199.